The following is an entry in ClinVar:

ClinVar aggregate classification (germline): Uncertain significance (1 of 4 stars; one submission).

Conditions:
Aortic aneurysm, familial thoracic 7 (AAT7). Also called: AORTIC DISSECTION, FAMILIAL, WITH OR WITHOUT AORTIC ANEURYSM. Identifiers: MedGen C3151077, MONDO:0013418, OMIM 613780.

Submission:

Labcorp Genetics (formerly Invitae), Labcorp
Classification: Uncertain significance for Aortic aneurysm, familial thoracic 7. Last evaluated: 2025-07-09. Review status: criteria provided, single submitter. Criteria: Invitae Variant Classification Sherloc (09022015). Collection method: clinical testing. Allele origin: germline.
Comment: This sequence change replaces leucine, which is neutral and non-polar, with proline, which is neutral and non-polar, at codon 364 of the MYLK protein (p.Leu364Pro). This variant is not present in population databases (gnomAD no frequency). This variant has not been reported in the literature in individuals affected with MYLK-related conditions. Invitae Evidence Modeling of protein sequence and biophysical properties (such as structural, functional, and spatial information, amino acid conservation, physicochemical variation, residue mobility, and thermodynamic stability) indicates that this missense variant is not expected to disrupt MYLK protein function with a negative predictive value of 95%. In summary, the available evidence is currently insufficient to determine the role of this variant in disease. Therefore, it has been classified as a Variant of Uncertain Significance.

NM_053025.4(MYLK):c.1091T>C (p.Leu364Pro)

Gene: MYLK (myosin light chain kinase; minus strand). Cytogenetic location: 3q21.1.
Variant type: single nucleotide variant.
Coding change: c.1091T>C on transcript NM_053025.4 (MANE Select); coding-DNA position 1091, T replaced by C.
Protein change: p.Leu364Pro; replaces leucine 364 with proline.
Molecular consequence: missense variant.
Genome position (GRCh38, 1-based): chr3:123,733,905, A>G on the plus strand (T>C on the coding strand, the complement: MYLK is on the minus strand). VCF-style: chr3-123733905-A-G. GRCh37 (hg19) VCF-style: chr3-123452752-A-G.
Other names: c.563T>C, p.Leu188Pro (NM_001321309.2); c.1091T>C, p.Leu364Pro (NM_053026.4, NM_053027.4, NM_053028.4); short protein forms L188P, L364P.
Identifiers: ClinVar variation 4806630 (VCV004806630.1).
Genomic context (GRCh38, chr3:123,733,905, plus strand): 5'-GTGGGGAAGGTGGCTGGACGGGGAGGAGCTGGCCTCTTCCTCTCTTCTCCAGAAGGTGAT[A>G]GGACCCCCAGGCCTGGTGCTCTTGGTTCCGGCTGAACTCTTGCGGCCTGCAGGGTGATGG-3'
Protein context (NP_444253.3, residues 354-374): PEPRAPGLGV[Leu364Pro]SPSGEERKRP